The following is an entry in ClinVar:

NM_001376.5(DYNC1H1):c.6997C>T (p.Leu2333Phe)

Gene: DYNC1H1 (dynein cytoplasmic 1 heavy chain 1; plus strand). Cytogenetic location: 14q32.31.
Variant type: single nucleotide variant.
Coding change: c.6997C>T on transcript NM_001376.5 (MANE Select); coding-DNA position 6997, C replaced by T.
Protein change: p.Leu2333Phe; replaces leucine 2333 with phenylalanine.
Molecular consequence: missense variant.
Genome position (GRCh38, 1-based): chr14:102,012,453, C>T. VCF-style: chr14-102012453-C-T. GRCh37 (hg19) VCF-style: chr14-102478790-C-T.
Other names: short protein forms L2333F.
Identifiers: ClinVar variation 429389 (VCV000429389.11), dbSNP rs1131691358, ClinGen allele CA391059263.

ClinVar aggregate classification (germline): Uncertain significance. Review status: criteria provided, multiple submitters, no conflicts (2 of 4 stars). 2 submissions from 2 submitters: Uncertain significance (2). Last evaluated 2019-10-16.

Conditions:
Charcot-Marie-Tooth disease axonal type 2O. Also called: Charcot-Marie-Tooth Neuropathy Type 2O; CHARCOT-MARIE-TOOTH NEUROPATHY, AXONAL, TYPE 2O; CHARCOT-MARIE-TOOTH DISEASE, AXONAL, AUTOSOMAL DOMINANT, TYPE 2O; Charcot-Marie-Tooth disease, axonal, type 20. Identifiers: Orphanet 284232, MedGen C3280220, MONDO:0013644, OMIM 614228.

Submissions (2):

Labcorp Genetics (formerly Invitae), Labcorp
Classification: Uncertain significance for Charcot-Marie-Tooth disease axonal type 2O. Last evaluated: 2019-10-16. Review status: criteria provided, single submitter. Criteria: Invitae Variant Classification Sherloc (09022015). Collection method: clinical testing. Allele origin: germline.
Comment: In summary, the available evidence is currently insufficient to determine the role of this variant in disease. Therefore, it has been classified as a Variant of Uncertain Significance. Algorithms developed to predict the effect of missense changes on protein structure and function are either unavailable or do not agree on the potential impact of this missense change (SIFT: "Deleterious"; PolyPhen-2: "Probably Damaging"; Align-GVGD: "Class C0"). This variant has not been reported in the literature in individuals with DYNC1H1-related conditions. ClinVar contains an entry for this variant (Variation ID: 429389). This variant is not present in population databases (ExAC no frequency). This sequence change replaces leucine with phenylalanine at codon 2333 of the DYNC1H1 protein (p.Leu2333Phe). The leucine residue is highly conserved and there is a small physicochemical difference between leucine and phenylalanine.

GeneDx
Classification: Uncertain significance. Last evaluated: 2017-05-01. Review status: criteria provided, single submitter. Criteria: GeneDx Variant Classification (06012015). Collection method: clinical testing. Allele origin: germline. Affected: yes.
Comment: A variant of uncertain significance has been identified in the DYNC1H1 gene. The L2333F variant has not been published as a pathogenic variant, nor has it been reported as a benign variant to our knowledge. The L2333F variant is not observed in large population cohorts (Lek et al., 2016; 1000 Genomes Consortium et al., 2015; Exome Variant Server). The L2333F variant is a conservative amino acid substitution, which is not likely to impact secondary protein structure as these residues share similar properties. This substitution occurs at a position where amino acids with similar properties to Leucine are tolerated across species. However, in silico analysis predicts this variant is probably damaging to the protein structure/function. Therefore, based on the currently available information, it is unclear whether this variant is a pathogenic variant or a rare benign variant.